The following is an entry in ClinVar:

ClinVar aggregate classification (germline): Uncertain significance (1 of 4 stars; one submission).

Submission:

GeneDx
Classification: Uncertain significance. Last evaluated: 2020-01-23. Review status: criteria provided, single submitter. Criteria: GeneDx Variant Classification Process June 2021. Collection method: clinical testing. Allele origin: germline. Affected: yes.
Comment: Not observed in large population cohorts (Lek et al., 2016); In silico analysis, which includes protein predictors and evolutionary conservation, supports a deleterious effect; Has not been previously published as pathogenic or benign to our knowledge

NM_001035.3(RYR2):c.5878A>G (p.Arg1960Gly)

Gene: RYR2 (ryanodine receptor 2; plus strand). Cytogenetic location: 1q43.
Variant type: single nucleotide variant.
Coding change: c.5878A>G on transcript NM_001035.3 (MANE Select); coding-DNA position 5878, A replaced by G.
Protein change: p.Arg1960Gly; replaces arginine 1960 with glycine.
Molecular consequence: missense variant.
Genome position (GRCh38, 1-based): chr1:237,617,448, A>G. VCF-style: chr1-237617448-A-G. GRCh37 (hg19) VCF-style: chr1-237780748-A-G.
Other names: p.R1960G:AGG>GGG; c.5878A>G, p.Arg1960Gly (LRG_402t1); short protein forms R1960G.
Identifiers: ClinVar variation 201261 (VCV000201261.4), dbSNP rs794728741, ClinGen allele CA010065.